The following is an entry in ClinVar:

ClinVar aggregate classification (germline): Uncertain significance. Review status: criteria provided, multiple submitters, no conflicts (2 of 4 stars). 2 submissions from 2 submitters: Uncertain significance (2). Last evaluated 2021-10-28.

Conditions:
Leber congenital amaurosis 8 (LCA8). Identifiers: Orphanet 65, MedGen C3151202, MONDO:0013453, OMIM 613835.
Retinitis pigmentosa 12 (RP12). Also called: RP WITH OR WITHOUT PRESERVED PARAARTERIOLE RETINAL PIGMENT EPITHELIUM; RETINITIS PIGMENTOSA WITH OR WITHOUT PARAARTERIOLAR PRESERVATION OF RETINAL PIGMENT EPITHELIUM; RP WITH OR WITHOUT PPRPE. Identifiers: Orphanet 791, MedGen C1838647, MONDO:0010818, OMIM 600105.

gnomAD v4.1: 2 of 1,614,006 alleles (0.00012%); highest among the groups gnomAD compares: Middle Eastern, 0.016%; no homozygotes.

Submissions (2):

Blueprint Genetics
Classification: Uncertain significance. Last evaluated: 2021-10-28. Review status: criteria provided, single submitter. Criteria: ACMG Guidelines, 2015. Collection method: clinical testing. Allele origin: germline.

Labcorp Genetics (formerly Invitae), Labcorp
Classification: Uncertain significance for Leber congenital amaurosis 8; Retinitis pigmentosa 12. Last evaluated: 2021-09-17. Review status: criteria provided, single submitter. Criteria: Invitae Variant Classification Sherloc (09022015). Collection method: clinical testing. Allele origin: germline.
Comment: This sequence change replaces cysteine with phenylalanine at codon 107 of the CRB1 protein (p.Cys107Phe). The cysteine residue is highly conserved and there is a large physicochemical difference between cysteine and phenylalanine. This variant is not present in population databases (ExAC no frequency). This variant has not been reported in the literature in individuals with CRB1-related conditions. Algorithms developed to predict the effect of missense changes on protein structure and function (SIFT, PolyPhen-2, Align-GVGD) all suggest that this variant is likely to be disruptive, but these predictions have not been confirmed by published functional studies and their clinical significance is uncertain. In summary, the available evidence is currently insufficient to determine the role of this variant in disease. Therefore, it has been classified as a Variant of Uncertain Significance.

NM_201253.3(CRB1):c.320G>T (p.Cys107Phe)

Gene: CRB1 (crumbs cell polarity complex component 1; plus strand). Cytogenetic location: 1q31.3.
Variant type: single nucleotide variant.
Coding change: c.320G>T on transcript NM_201253.3 (MANE Select); coding-DNA position 320, G replaced by T.
Protein change: p.Cys107Phe; replaces cysteine 107 with phenylalanine.
Molecular consequence: missense variant. On other transcripts: non-coding transcript variant (2).
Genome position (GRCh38, 1-based): chr1:197,328,671, G>T. VCF-style: chr1-197328671-G-T. GRCh37 (hg19) VCF-style: chr1-197297801-G-T.
Other names: c.320G>T, p.Cys107Phe (NM_001193640.2, NM_001257966.2); c.113G>T, p.Cys38Phe (NM_001257965.2); short protein forms C38F, C107F.
Identifiers: ClinVar variation 1979291 (VCV001979291.2), dbSNP rs2465028179, ClinGen allele CA344085514.